The following is an entry in ClinVar:

NM_000094.4(COL7A1):c.2367C>T (p.Ser789=)

Gene: COL7A1 (collagen type VII alpha 1 chain; minus strand). Cytogenetic location: 3p21.31.
Variant type: single nucleotide variant.
Coding change: c.2367C>T on transcript NM_000094.4 (MANE Select); coding-DNA position 2367, C replaced by T.
Protein change: p.Ser789=; no amino-acid change (serine 789 retained).
Molecular consequence: synonymous variant.
Genome position (GRCh38, 1-based): chr3:48,588,943, G>A on the plus strand (C>T on the coding strand, the complement: COL7A1 is on the minus strand). VCF-style: chr3-48588943-G-A. GRCh37 (hg19) VCF-style: chr3-48626376-G-A.
Identifiers: ClinVar variation 721147 (VCV000721147.44), dbSNP rs139521707, ClinGen allele CA2380908.
Genomic context (GRCh38, chr3:48,588,943, plus strand): 5'-CCAGGCCAGTCTGTAAGCTGTGGCTCCAGTGACCCCTACCCAGGTGATCCGTAGAACGTC[G>A]CTGGAAGCATTGAGGATCTGCAGCCTCGACACACGACCCACAGGCTCAGGGGCTGGGGAC-3'
Protein context (NP_000085.1, residues 779-799): VSRLQILNAS[Ser789=]DVLRITWVGV

ClinVar aggregate classification (germline): Conflicting classifications of pathogenicity. Review status: criteria provided, conflicting classifications (1 of 4 stars). 8 submissions from 8 submitters: Uncertain significance (1); Likely benign (4). 3 of the submissions do not count toward it. Last evaluated 2026-05-24.

Conditions:
Epidermolysis bullosa dystrophica. Also called: Dystrophic epidermolysis bullosa, Hallopeau-Siemens type (formerly); Dystrophic epidermolysis bullosa. Identifiers: Orphanet 303, MedGen C0079294, MONDO:0006543.
Generalized dominant dystrophic epidermolysis bullosa (DDEB). Also called: Dominant DEB (DDEB); DDEB, generalized; DDEB-gen; DYSTROPHIC EPIDERMOLYSIS BULLOSA, AUTOSOMAL DOMINANT; Epidermolysis bullosa dystrophica, autosomal dominant. Identifiers: Orphanet 231568, MedGen C0432322, MONDO:0007549, OMIM 131750.

Allele frequency attached by ClinVar (database versions not stated): 1000 Genomes Project 30x 0.00078; 1000 Genomes Project 0.00080; gnomAD 0.00121; TOPMed 0.00160; ESP Exome Variant Server 0.00177.
gnomAD v4.1: 4,150 of 1,613,606 alleles (0.26%); highest among the groups gnomAD compares: Non-Finnish European, 0.31%; 12 homozygotes.

Submissions (8):

Women's Health and Genetics/Laboratory Corporation of America, LabCorp
Classification: Likely benign. Last evaluated: 2026-05-24. Review status: criteria provided, single submitter. Criteria: LabCorp Variant Classification Summary - May 2015. Collection method: clinical testing. Allele origin: germline.

Labcorp Genetics (formerly Invitae), Labcorp
Classification: Likely benign. Last evaluated: 2026-02-04. Review status: criteria provided, single submitter. Criteria: Invitae Variant Classification Sherloc (09022015). Collection method: clinical testing. Allele origin: germline.

CeGaT Center for Human Genetics Tuebingen
Classification: Likely benign. Last evaluated: 2025-03-01. Review status: criteria provided, single submitter. Criteria: CeGaT Center For Human Genetics Tuebingen Variant Classification Criteria Version 2. Collection method: clinical testing. Allele origin: germline. Affected: yes. Observed: 5 variant alleles.
Comment: COL7A1: BP4, BP7

Blueprint Genetics
Classification: Likely benign. Last evaluated: 2024-11-19. Review status: criteria provided, single submitter. Criteria: ACMG Guidelines, 2015. Collection method: clinical testing. Allele origin: germline.

Illumina Laboratory Services, Illumina
Classification: Uncertain significance for Dystrophic epidermolysis bullosa. Last evaluated: 2018-01-12. Review status: criteria provided, single submitter. Criteria: ICSL Variant Classification Criteria 13 December 2019. Collection method: clinical testing. Allele origin: germline.

Natera, Inc.
Classification: Likely benign for Autosomal dominant dystrophic epidermolysis bullosa. Last evaluated: 2020-06-05. Review status: no assertion criteria provided. Collection method: clinical testing. Allele origin: germline. Not counted in ClinVar's aggregate classification.

Diagnostic Laboratory, Department of Genetics, University Medical Center Groningen
Classification: Benign. Review status: no assertion criteria provided. Collection method: clinical testing. Allele origin: germline. Affected: yes. Study: VKGL Data-share Consensus. Not counted in ClinVar's aggregate classification.

Genome Diagnostics Laboratory, Amsterdam University Medical Center
Classification: Likely benign. Review status: no assertion criteria provided. Collection method: clinical testing. Allele origin: germline. Affected: yes. Study: VKGL Data-share Consensus. Not counted in ClinVar's aggregate classification.